The following is an entry in ClinVar:

NM_015466.4(PTPN23):c.4204T>C (p.Phe1402Leu)

Gene: PTPN23 (protein tyrosine phosphatase non-receptor type 23; plus strand). Cytogenetic location: 3p21.31.
Variant type: single nucleotide variant.
Coding change: c.4204T>C on transcript NM_015466.4 (MANE Select); coding-DNA position 4204, T replaced by C.
Protein change: p.Phe1402Leu; replaces phenylalanine 1402 with leucine.
Molecular consequence: missense variant.
Genome position (GRCh38, 1-based): chr3:47,412,308, T>C. VCF-style: chr3-47412308-T-C. GRCh37 (hg19) VCF-style: chr3-47453798-T-C.
Other names: c.3826T>C, p.Phe1276Leu (NM_001304482.2); short protein forms F1276L, F1402L.
Identifiers: ClinVar variation 1494158 (VCV001494158.5), dbSNP rs1705328915, ClinGen allele CA352565943.

ClinVar aggregate classification (germline): Uncertain significance (1 of 4 stars; one submission).

Allele frequency attached by ClinVar (database versions not stated): gnomAD exomes below 0.00001; TOPMed below 0.00001.

Submission:

Labcorp Genetics (formerly Invitae), Labcorp
Classification: Uncertain significance. Last evaluated: 2021-09-24. Review status: criteria provided, single submitter. Criteria: Invitae Variant Classification Sherloc (09022015). Collection method: clinical testing. Allele origin: germline.
Comment: This sequence change replaces phenylalanine with leucine at codon 1402 of the PTPN23 protein (p.Phe1402Leu). The phenylalanine residue is weakly conserved and there is a small physicochemical difference between phenylalanine and leucine. This variant is not present in population databases (ExAC no frequency). This variant has not been reported in the literature in individuals with PTPN23-related conditions. Algorithms developed to predict the effect of missense changes on protein structure and function are either unavailable or do not agree on the potential impact of this missense change (SIFT: "Tolerated"; PolyPhen-2: "Probably Damaging"; Align-GVGD: "Class C0"). In summary, the available evidence is currently insufficient to determine the role of this variant in disease. Therefore, it has been classified as a Variant of Uncertain Significance.